The following is an entry in ClinVar:

NM_182895.5(SCARF2):c.15del (p.Arg7fs)

Gene: SCARF2 (scavenger receptor class F member 2; minus strand). Cytogenetic location: 22q11.21.
Variant type: Deletion.
Coding change: c.15del on transcript NM_182895.5 (MANE Select); coding-DNA position 15, one base deleted (G; older notation c.15delG).
Protein change: p.Arg7fs; shifts the reading frame from arginine 7.
Molecular consequence: frameshift variant.
Genome position (GRCh38, 1-based): chr22:20,437,740, C deleted on the plus strand (G on the coding strand, the reverse complement: SCARF2 is on the minus strand); the first of 3 consecutive C bases (chr22:20,437,740-20,437,742); deleting any one gives the same sequence. VCF-style (leftmost placement, unchanged base first): chr22-20437739-GC-G. GRCh37 (hg19) VCF-style: chr22-20792026-GC-G.
Other names: c.15del, p.Arg7fs (NM_153334.7); short protein forms R7fs.
Identifiers: ClinVar variation 4533365 (VCV004533365.1).
Genomic context (GRCh38, chr22:20,437,739, plus strand): 5'-GCAGCAGCGGTGACGGCGGCCCCCCGGCTCCCCGGCGCCGCGCCGGCCCGGCCCCCCGGG[GC>G]CCTGCGCCCTCCATGAGGCGCGGGGCAGGCGCGGGGCGGGCACGGGCGCGGGTGCGGCCG-3'

ClinVar aggregate classification (germline): Likely pathogenic (1 of 4 stars; one submission).

Conditions:
Van den Ende-Gupta syndrome (VDEGS). Also called: BLEPHAROPHIMOSIS, ARACHNODACTYLY, AND CONGENITAL CONTRACTURES. Identifiers: Orphanet 2460, MedGen C1833136, MONDO:0010959, OMIM 600920.

Submission:

Genetics Laboratory, Post Graduate Institute of Child Health
Classification: Likely pathogenic for Van den Ende-Gupta syndrome. Last evaluated: 2025-12-05. Review status: criteria provided, single submitter. Criteria: ACMG Guidelines, 2015. Collection method: clinical testing. Allele origin: biparental. Inheritance: Autosomal recessive inheritance. Affected: yes. Observed: 1 homozygote.
Comment: The identified variant was absent in population database. The one-base pair deletion in exon 1 of the SCARF2 gene (c.15del) results in a frameshift premature truncation of the protein 40 amino acids downstream to codon 7 (p.Arg7fs*40).